The following is an entry in ClinVar:

ClinVar aggregate classification (germline): Conflicting classifications of pathogenicity. Review status: criteria provided, conflicting classifications (1 of 4 stars). 6 submissions from 6 submitters: Uncertain significance (1); Benign (1); Likely benign (2). 2 of the submissions do not count toward it. Last evaluated 2026-01-13.

Conditions:
PKHD1-related disorder. Also called: PKHD1-related condition.
Autosomal recessive polycystic kidney disease (ARPKD). Also called: AR polycystic kidney disease. Identifiers: Orphanet 731, Orphanet 8378, MedGen C0085548, MeSH D017044, MONDO:0009889.

Allele frequency attached by ClinVar (database versions not stated): gnomAD 0.00012 and 0.00016; TOPMed 0.00015; ExAC 0.00027; 1000 Genomes Project 30x 0.00078; 1000 Genomes Project 0.00100.
gnomAD v4.1: 255 of 1,614,106 alleles (0.016%); highest among the groups gnomAD compares: East Asian, 0.27%; 1 homozygote.

Submissions (6):

Labcorp Genetics (formerly Invitae), Labcorp
Classification: Benign for Autosomal recessive polycystic kidney disease. Last evaluated: 2026-01-13. Review status: criteria provided, single submitter. Criteria: Invitae Variant Classification Sherloc (09022015). Collection method: clinical testing. Allele origin: germline.

Blueprint Genetics
Classification: Likely benign. Last evaluated: 2024-11-18. Review status: criteria provided, single submitter. Criteria: ACMG Guidelines, 2015. Collection method: clinical testing. Allele origin: germline.

Illumina Laboratory Services, Illumina
Classification: Uncertain significance for Polycystic kidney disease 4. Last evaluated: 2018-01-12. Review status: criteria provided, single submitter. Criteria: ICSL Variant Classification Criteria 13 December 2019. Collection method: clinical testing. Allele origin: germline.

Eurofins Ntd Llc (ga)
Classification: Likely benign. Last evaluated: 2017-12-01. Review status: criteria provided, single submitter. Criteria: EGL Classification Definitions 2015. Collection method: clinical testing. Allele origin: germline. Observed: 1 variant allele, 1 heterozygote.

PreventionGenetics, part of Exact Sciences
Classification: Likely benign for PKHD1-related condition. Last evaluated: 2023-11-01. Review status: no assertion criteria provided. Collection method: clinical testing. Allele origin: germline. Not counted in ClinVar's aggregate classification.
Comment: This variant is classified as likely benign based on ACMG/AMP sequence variant interpretation guidelines (Richards et al. 2015 PMID: 25741868, with internal and published modifications).

Natera, Inc.
Classification: Likely benign for Autosomal recessive polycystic kidney disease. Last evaluated: 2017-05-08. Review status: no assertion criteria provided. Collection method: clinical testing. Allele origin: germline. Not counted in ClinVar's aggregate classification.

NM_138694.4(PKHD1):c.3804C>T (p.Ala1268=)

Gene: PKHD1 (PKHD1 ciliary IPT domain containing fibrocystin/polyductin; minus strand). Cytogenetic location: 6p12.2.
Variant type: single nucleotide variant.
Coding change: c.3804C>T on transcript NM_138694.4 (MANE Select); coding-DNA position 3804, C replaced by T.
Protein change: p.Ala1268=; no amino-acid change (alanine 1268 retained).
Molecular consequence: synonymous variant.
Genome position (GRCh38, 1-based): chr6:52,026,006, G>A on the plus strand (C>T on the coding strand, the complement: PKHD1 is on the minus strand). VCF-style: chr6-52026006-G-A. GRCh37 (hg19) VCF-style: chr6-51890804-G-A.
Other names: c.3804C>T, p.Ala1268= (NM_170724.3).
Identifiers: ClinVar variation 414169 (VCV000414169.26), dbSNP rs201769990, ClinGen allele CA3852834.